The following is an entry in ClinVar:

ClinVar aggregate classification (germline): Uncertain significance (1 of 4 stars; one submission).

Submission:

Labcorp Genetics (formerly Invitae), Labcorp
Classification: Uncertain significance. Last evaluated: 2023-01-19. Review status: criteria provided, single submitter. Criteria: Invitae Variant Classification Sherloc (09022015). Collection method: clinical testing. Allele origin: germline.
Comment: In summary, the available evidence is currently insufficient to determine the role of this variant in disease. Therefore, it has been classified as a Variant of Uncertain Significance. This variant has not been reported in the literature in individuals affected with FAM65B-related conditions. This variant is not present in population databases (gnomAD no frequency). This sequence change creates a premature translational stop signal (p.Gln6*) in the FAM65B gene. It is expected to result in an absent or disrupted protein product. However, the current clinical and genetic evidence is not sufficient to establish whether loss-of-function variants in FAM65B cause disease.

NM_001286445.3(RIPOR2):c.103C>T (p.Gln35Ter)

Gene: RIPOR2 (RHO family interacting cell polarization regulator 2; minus strand). Cytogenetic location: 6p22.3.
Variant type: single nucleotide variant.
Coding change: c.103C>T on transcript NM_001286445.3 (MANE Select); coding-DNA position 103, C replaced by T.
Protein change: p.Gln35Ter; replaces glutamine 35 with a stop codon.
Molecular consequence: nonsense.
Genome position (GRCh38, 1-based): chr6:24,875,776, G>A on the plus strand (C>T on the coding strand, the complement: RIPOR2 is on the minus strand). VCF-style: chr6-24875776-G-A. GRCh37 (hg19) VCF-style: chr6-24876004-G-A.
Other names: c.16C>T, p.Gln6Ter (NM_014722.5, NM_015864.5, NM_001286447.2 and 2 more transcripts); c.118C>T, p.Gln40Ter (NM_001286446.3); short protein forms Q40*, Q35*, Q6*.
Identifiers: ClinVar variation 3011869 (VCV003011869.3), dbSNP rs2533073424, ClinGen allele CA362987148.
Genomic context (GRCh38, chr6:24,875,776, plus strand): 5'-TGAAACCCGCAAAGGACTGGCTTCTAATGATCCCATTGGGCCCTCCAGGCGAAAAAGACT[G>A]GGATCCTACCAACATGATTTCCGGGAGTCTGGTCGGTAGTCCTAGAAGACAGTGGAAAGA-3'